The following is an entry in ClinVar:

ClinVar aggregate classification (germline): Pathogenic (1 of 4 stars; one submission).

Submission:

ISCA site 17
Classification: Pathogenic. Last evaluated: 2011-08-12. Review status: criteria provided, single submitter. Criteria: Kaminsky et al. (Genet Med. 2011). Collection method: clinical testing. Allele origin: de novo. Affected: yes. Observed: 1 variant allele.
Comment: Copy number variation identified through the course of routine clinical cytogenomic testing in postnatal populations. Clinical assertions have been curated as described in Kaminsky et al. 2011.

GRCh38/hg38 9q34.3(chr9:137743457-137836015)x1

Genes: EHMT1 (euchromatic histone lysine methyltransferase 1; plus strand), LOC126860799 (CDK7 strongly-dependent group 2 enhancer GRCh37_chr9:140657628-140658827; plus strand), LOC130003142 (ATAC-STARR-seq lymphoblastoid active region 29362; plus strand), LOC130003143 (ATAC-STARR-seq lymphoblastoid active region 29363; plus strand), LOC130003144 (ATAC-STARR-seq lymphoblastoid active region 29364; plus strand) and 7 more. Cytogenetic location: 9q34.3.
Variant type: copy number loss.
Change: copy number 1 (one copy instead of two) of chr9:137,743,457-137,836,015 (92.6 kb, GRCh38 coordinates, 1-based), cytogenetic band 9q34.3.
Identifiers: ClinVar variation 59157 (VCV000059157.1).